The following is an entry in ClinVar:

ClinVar aggregate classification (germline): Uncertain significance. Review status: criteria provided, multiple submitters, no conflicts (2 of 4 stars). 3 submissions from 3 submitters: Uncertain significance (3). Last evaluated 2025-10-28.

Conditions:
BBS9-related disorder. Also called: BBS9-related condition.
Inborn genetic diseases. Identifiers: MedGen C0950123, MeSH D030342.
Bardet-Biedl syndrome (BBS). Identifiers: Orphanet 110, MedGen C0752166, MONDO:0015229.

gnomAD v4.1: 18 of 1,575,300 alleles (0.0011%); highest among the groups gnomAD compares: Admixed American, 0.0017%; no homozygotes.

Submissions (3):

PreventionGenetics, part of Exact Sciences
Classification: Uncertain significance for BBS9-related condition. Last evaluated: 2025-10-28. Review status: criteria provided, single submitter. Criteria: ACMG Guidelines, 2015. Collection method: clinical testing. Allele origin: germline.
Comment: The BBS9 c.657G>T variant is predicted to result in the amino acid substitution p.Arg219Ser. To our knowledge, this variant has not been reported in the literature. This variant is reported in 0.00090% of alleles in individuals of European (Non-Finnish) descent in gnomAD. At this time, the clinical significance of this variant is uncertain due to the absence of conclusive functional and genetic evidence.

Ambry Genetics
Classification: Uncertain significance for Inborn genetic diseases. Last evaluated: 2023-04-11. Review status: criteria provided, single submitter. Criteria: Ambry Variant Classification Scheme 2023. Collection method: clinical testing. Allele origin: germline.

Labcorp Genetics (formerly Invitae), Labcorp
Classification: Uncertain significance for Bardet-Biedl syndrome. Last evaluated: 2021-08-28. Review status: criteria provided, single submitter. Criteria: Invitae Variant Classification Sherloc (09022015). Collection method: clinical testing. Allele origin: germline.
Comment: This sequence change replaces arginine with serine at codon 219 of the BBS9 protein (p.Arg219Ser). The arginine residue is highly conserved and there is a moderate physicochemical difference between arginine and serine. This variant is not present in population databases (ExAC no frequency). This variant has not been reported in the literature in individuals affected with BBS9-related conditions. Algorithms developed to predict the effect of missense changes on protein structure and function are either unavailable or do not agree on the potential impact of this missense change (SIFT: "Deleterious"; PolyPhen-2: "Benign"; Align-GVGD: "Class C65"). In summary, the available evidence is currently insufficient to determine the role of this variant in disease. Therefore, it has been classified as a Variant of Uncertain Significance.

NM_198428.3(BBS9):c.657G>T (p.Arg219Ser)

Gene: BBS9 (Bardet-Biedl syndrome 9; plus strand). Cytogenetic location: 7p14.3.
Variant type: single nucleotide variant.
Coding change: c.657G>T on transcript NM_198428.3 (MANE Select); coding-DNA position 657, G replaced by T.
Protein change: p.Arg219Ser; replaces arginine 219 with serine.
Molecular consequence: missense variant. On other transcripts: non-coding transcript variant (3).
Genome position (GRCh38, 1-based): chr7:33,264,329, G>T. VCF-style: chr7-33264329-G-T. GRCh37 (hg19) VCF-style: chr7-33303941-G-T.
Other names: c.657G>T (NM_198428.2); c.657G>T, p.Arg219Ser (NM_001033604.2, NM_001033605.2, NM_001348036.1 and 5 more transcripts); c.291G>T, p.Arg97Ser (NM_001348037.3, NM_001348044.3, NM_001348045.3 and 1 more transcripts); c.384G>T, p.Arg128Ser (NM_001348038.3, NM_001348039.3); c.522G>T, p.Arg174Ser (NM_001348042.3); short protein forms R128S, R174S, R219S, R97S.
Identifiers: ClinVar variation 1438240 (VCV001438240.7), dbSNP rs1307359911, ClinGen allele CA367253544.
Genomic context (GRCh38, chr7:33,264,329, plus strand): 5'-TTTTAAATTTCTTTCATACAGGTACCAGGTACTTGCTTTTGCAACAGATGCAGATAAAAG[G>T]CAGGAGACTGAACAGCAAAAACTTGGTTCTGGAAAAAGACTAGTTGTAAGGCCTTTTTTT-3'
Protein context (NP_940820.1, residues 209-229): VLAFATDADK[Arg219Ser]QETEQQKLGS